The following is an entry in ClinVar:

NM_007227.3(GPR45):c.409G>A (p.Val137Ile)

Gene: GPR45 (G protein-coupled receptor 45; plus strand). Cytogenetic location: 2q12.1.
Variant type: single nucleotide variant.
Coding change: c.409G>A on transcript NM_007227.3 (MANE Select); coding-DNA position 409, G replaced by A.
Protein change: p.Val137Ile; replaces valine 137 with isoleucine.
Molecular consequence: missense variant.
Genome position (GRCh38, 1-based): chr2:105,242,267, G>A. VCF-style: chr2-105242267-G-A. GRCh37 (hg19) VCF-style: chr2-105858724-G-A.
Other names: short protein forms V137I.
Identifiers: ClinVar variation 1923251 (VCV001923251.5), dbSNP rs572247634, ClinGen allele CA1813567.

ClinVar aggregate classification (germline): Uncertain significance (1 of 4 stars; one submission).

Allele frequency attached by ClinVar (database versions not stated): TOPMed below 0.00001; gnomAD 0.00003; ExAC 0.00005; 1000 Genomes Project 30x 0.00031; 1000 Genomes Project 0.00040.
gnomAD v4.1: 40 of 1,614,080 alleles (0.0025%); highest among the groups gnomAD compares: South Asian, 0.038%; no homozygotes.

Submission:

Labcorp Genetics (formerly Invitae), Labcorp
Classification: Uncertain significance. Last evaluated: 2025-02-01. Review status: criteria provided, single submitter. Criteria: Invitae Variant Classification Sherloc (09022015). Collection method: clinical testing. Allele origin: germline.
Comment: This sequence change replaces valine, which is neutral and non-polar, with isoleucine, which is neutral and non-polar, at codon 137 of the GPR45 protein (p.Val137Ile). This variant is present in population databases (rs572247634, gnomAD 0.03%). This variant has not been reported in the literature in individuals affected with GPR45-related conditions. ClinVar contains an entry for this variant (Variation ID: 1923251). An algorithm developed to predict the effect of missense changes on protein structure and function (PolyPhen-2) suggests that this variant is likely to be tolerated. In summary, the available evidence is currently insufficient to determine the role of this variant in disease. Therefore, it has been classified as a Variant of Uncertain Significance.